The following is an entry in ClinVar:

ClinVar aggregate classification (germline): Conflicting classifications of pathogenicity. Review status: criteria provided, conflicting classifications (1 of 4 stars). 2 submissions from 2 submitters: Uncertain significance (1); Likely benign (1). Last evaluated 2025-12-30.

Allele frequency attached by ClinVar (database versions not stated): TOPMed 0.00001; ExAC 0.00002; gnomAD 0.00002.

Submissions (2):

Labcorp Genetics (formerly Invitae), Labcorp
Classification: Uncertain significance. Last evaluated: 2025-12-30. Review status: criteria provided, single submitter. Criteria: Invitae Variant Classification Sherloc (09022015). Collection method: clinical testing. Allele origin: germline.
Comment: This sequence change replaces proline, which is neutral and non-polar, with alanine, which is neutral and non-polar, at codon 2215 of the PCNT protein (p.Pro2215Ala). This variant is present in population databases (rs768067792, gnomAD 0.003%). This variant has not been reported in the literature in individuals affected with PCNT-related conditions. ClinVar contains an entry for this variant (Variation ID: 1896757). An algorithm developed to predict the effect of missense changes on protein structure and function outputs the following: PolyPhen-2: "Benign". The alanine amino acid residue is found in multiple mammalian species, which suggests that this missense change does not adversely affect protein function. In summary, the available evidence is currently insufficient to determine the role of this variant in disease. Therefore, it has been classified as a Variant of Uncertain Significance.

Blueprint Genetics
Classification: Likely benign. Last evaluated: 2024-10-08. Review status: criteria provided, single submitter. Criteria: ACMG Guidelines, 2015. Collection method: clinical testing. Allele origin: germline.

NM_006031.6(PCNT):c.6643C>G (p.Pro2215Ala)

Gene: PCNT (pericentrin; plus strand). Cytogenetic location: 21q22.3.
Variant type: single nucleotide variant.
Coding change: c.6643C>G on transcript NM_006031.6 (MANE Select); coding-DNA position 6643, C replaced by G.
Protein change: p.Pro2215Ala; replaces proline 2215 with alanine.
Molecular consequence: missense variant.
Genome position (GRCh38, 1-based): chr21:46,416,561, C>G. VCF-style: chr21-46416561-C-G. GRCh37 (hg19) VCF-style: chr21-47836475-C-G.
Other names: c.6289C>G, p.Pro2097Ala (NM_001315529.2); short protein forms P2097A, P2215A.
Identifiers: ClinVar variation 1896757 (VCV001896757.4), dbSNP rs768067792, ClinGen allele CA10080372.
Genomic context (GRCh38, chr21:46,416,561, plus strand): 5'-AGCGTACTTGGTGGCTCCCGCCACCAGAGCCACACTGCAGAGGCTGGGCCCCGGAAGAGC[C>G]CGGTCGGGATGCTGGACCTGTCTTCCTGGAGCTCCCCTGAGGTCCTCAGGAAGGACTGGA-3'
Protein context (NP_006022.3, residues 2205-2225): HTAEAGPRKS[Pro2215Ala]VGMLDLSSWS